The following is an entry in ClinVar:

ClinVar aggregate classification (germline): Likely benign. Review status: criteria provided, multiple submitters, no conflicts (2 of 4 stars). 3 submissions from 3 submitters: Likely benign (3). Last evaluated 2026-05-12.

Conditions:
Ehlers-Danlos syndrome, musculocontractural type 2 (EDSMC2). Identifiers: Orphanet 2953, MedGen C3809845, MONDO:0014236, OMIM 615539.

Allele frequency attached by ClinVar (database versions not stated): TOPMed 0.00003; gnomAD 0.00004; gnomAD exomes 0.00005 and 0.00006; ExAC 0.00007; ESP Exome Variant Server 0.00008; 1000 Genomes Project 0.00020; 1000 Genomes Project 30x 0.00031.
gnomAD v4.1: 73 of 1,614,114 alleles (0.0045%); highest among the groups gnomAD compares: Middle Eastern, 0.033%; no homozygotes.

Submissions (3):

Women's Health and Genetics/Laboratory Corporation of America, LabCorp
Classification: Likely benign. Last evaluated: 2026-05-12. Review status: criteria provided, single submitter. Criteria: LabCorp Variant Classification Summary - May 2015. Collection method: clinical testing. Allele origin: germline.

CeGaT Center for Human Genetics Tuebingen
Classification: Likely benign. Last evaluated: 2025-10-01. Review status: criteria provided, single submitter. Criteria: CeGaT Center For Human Genetics Tuebingen Variant Classification Criteria Version 2. Collection method: clinical testing. Allele origin: germline. Affected: yes. Observed: 1 variant allele.
Comment: DSE: BP4, BP7

Labcorp Genetics (formerly Invitae), Labcorp
Classification: Likely benign for Ehlers-Danlos syndrome, musculocontractural type 2. Last evaluated: 2024-12-31. Review status: criteria provided, single submitter. Criteria: Invitae Variant Classification Sherloc (09022015). Collection method: clinical testing. Allele origin: germline.

NM_013352.4(DSE):c.120C>T (p.Tyr40=)

Gene: DSE (dermatan sulfate epimerase; plus strand). Cytogenetic location: 6q22.1.
Variant type: single nucleotide variant.
Coding change: c.120C>T on transcript NM_013352.4 (MANE Select); coding-DNA position 120, C replaced by T.
Protein change: p.Tyr40=; no amino-acid change (tyrosine 40 retained).
Molecular consequence: synonymous variant. On other transcripts: 5 prime UTR variant (4), non-coding transcript variant (1).
Genome position (GRCh38, 1-based): chr6:116,399,370, C>T. VCF-style: chr6-116399370-C-T. GRCh37 (hg19) VCF-style: chr6-116720533-C-T.
Other names: c.120C>T, p.Tyr40= (NM_001080976.3, NM_001322937.2, NM_001322938.2 and 3 more transcripts); c.177C>T, p.Tyr59= (NM_001322939.2); c.-438C>T (NM_001322940.2, NM_001322941.2); c.-781C>T (NM_001374520.1); c.-468C>T (NM_001374521.1).
Identifiers: ClinVar variation 737936 (VCV000737936.15), dbSNP rs75392879, ClinGen allele CA3969469.